The following is an entry in ClinVar:

ClinVar aggregate classification (germline): Uncertain significance (1 of 4 stars; one submission).

Conditions:
Hyperkalemic periodic paralysis. Also called: Familial hyperkalemic periodic paralysis; Gamstorp disease. Identifiers: Orphanet 682, MedGen C0238357, MONDO:0008224, OMIM 170500, HP:0007215.

Allele frequency attached by ClinVar (database versions not stated): gnomAD exomes below 0.00001.
gnomAD v4.1: 1 of 1,613,984 alleles (0.000062%); highest among the groups gnomAD compares: East Asian, 0.0022%; no homozygotes.

Submission:

Labcorp Genetics (formerly Invitae), Labcorp
Classification: Uncertain significance for Hyperkalemic periodic paralysis. Last evaluated: 2020-11-16. Review status: criteria provided, single submitter. Criteria: Invitae Variant Classification Sherloc (09022015). Collection method: clinical testing. Allele origin: germline.
Comment: Algorithms developed to predict the effect of missense changes on protein structure and function (SIFT, PolyPhen-2, Align-GVGD) all suggest that this variant is likely to be disruptive, but these predictions have not been confirmed by published functional studies and their clinical significance is uncertain. This sequence change replaces isoleucine with valine at codon 649 of the SCN4A protein (p.Ile649Val). The isoleucine residue is highly conserved and there is a small physicochemical difference between isoleucine and valine. This variant is not present in population databases (ExAC no frequency). This variant has not been reported in the literature in individuals with SCN4A-related conditions. In summary, the available evidence is currently insufficient to determine the role of this variant in disease. Therefore, it has been classified as a Variant of Uncertain Significance.

NM_000334.4(SCN4A):c.1945A>G (p.Ile649Val)

Gene: SCN4A (sodium voltage-gated channel alpha subunit 4; minus strand). Cytogenetic location: 17q23.3.
Variant type: single nucleotide variant.
Coding change: c.1945A>G on transcript NM_000334.4 (MANE Select); coding-DNA position 1945, A replaced by G.
Protein change: p.Ile649Val; replaces isoleucine 649 with valine.
Molecular consequence: missense variant.
Genome position (GRCh38, 1-based): chr17:63,959,339, T>C on the plus strand (A>G on the coding strand, the complement: SCN4A is on the minus strand). VCF-style: chr17-63959339-T-C. GRCh37 (hg19) VCF-style: chr17-62036699-T-C.
Other names: short protein forms I649V.
Identifiers: ClinVar variation 1026615 (VCV001026615.9), dbSNP rs1909172837, ClinGen allele CA400631901.